The following is an entry in ClinVar:

NM_002693.3(POLG):c.2595C>T (p.Ala865=)

Gene: POLG (DNA polymerase gamma, catalytic subunit; minus strand). Cytogenetic location: 15q26.1.
Variant type: single nucleotide variant.
Coding change: c.2595C>T on transcript NM_002693.3 (MANE Select); coding-DNA position 2595, C replaced by T.
Protein change: p.Ala865=; no amino-acid change (alanine 865 retained).
Molecular consequence: synonymous variant.
Genome position (GRCh38, 1-based): chr15:89,321,739, G>A on the plus strand (C>T on the coding strand, the complement: POLG is on the minus strand). VCF-style: chr15-89321739-G-A. GRCh37 (hg19) VCF-style: chr15-89864970-G-A.
Other names: c.2595C>T, p.Ala865= (NM_001126131.2).
Identifiers: ClinVar variation 2148120 (VCV002148120.5), dbSNP rs754439283, ClinGen allele CA7724419.
Genomic context (GRCh38, chr15:89,321,739, plus strand): 5'-AGTTTCTACAGACCTGGGAGAGGAAGAGCAGGGGCCAGAGGTACAGAGGTCACATACCCG[G>A]GCATTGCTGGCGGTGAGCCATGTGGGCTCCACAGCCCGGCGAGTGATGGTGCCGGCAGTC-3'
Protein context (NP_002684.1, residues 855-875): VEPTWLTASN[Ala865=]RPDRVGSELK

ClinVar aggregate classification (germline): Likely benign. Review status: criteria provided, multiple submitters, no conflicts (2 of 4 stars). 2 submissions from 2 submitters: Likely benign (2). Last evaluated 2025-06-25.

Conditions:
POLG-related disorder. Also called: POLG-related condition; POLG-Related Disorders; POLG-Related Spectrum Disorders. Identifiers: MedGen C4763519.
Progressive sclerosing poliodystrophy (MTDPS4A). Also called: ALPERS PROGRESSIVE INFANTILE POLIODYSTROPHY; Alpers-Huttenlocher Syndrome; Mitochondrial DNA depletion syndrome 4A (Alpers type); NEURONAL DEGENERATION OF CHILDHOOD WITH LIVER DISEASE, PROGRESSIVE; Mitochondrial DNA Depletion Syndrome 4A; Alpers-Huttenlocher Syndrome (AHS). Identifiers: Orphanet 726, MedGen C0205710, MONDO:0008758, OMIM 203700.

Allele frequency attached by ClinVar (database versions not stated): gnomAD 0.00001; TOPMed 0.00001; ExAC 0.00002.
gnomAD v4.1: 4 of 1,609,302 alleles (0.00025%); highest among the groups gnomAD compares: African/African-American, 0.0027%; no homozygotes.

Submissions (2):

PreventionGenetics, part of Exact Sciences
Classification: Likely benign for POLG-related condition. Last evaluated: 2025-06-25. Review status: criteria provided, single submitter. Criteria: ACMG Guidelines, 2015. Collection method: clinical testing. Allele origin: germline.
Comment: This variant is classified as likely benign based on ACMG/AMP sequence variant interpretation guidelines (Richards et al. 2015 PMID: 25741868, with internal and published modifications).

Labcorp Genetics (formerly Invitae), Labcorp
Classification: Likely benign for Progressive sclerosing poliodystrophy. Last evaluated: 2023-12-07. Review status: criteria provided, single submitter. Criteria: Invitae Variant Classification Sherloc (09022015). Collection method: clinical testing. Allele origin: germline.